The following is an entry in ClinVar:

ClinVar aggregate classification (germline): Benign/Likely benign. Review status: criteria provided, multiple submitters, no conflicts (2 of 4 stars). 8 submissions from 8 submitters: Benign (2); Likely benign (6). Last evaluated 2026-08-01.

Conditions:
Myofibrillar myopathy 5. Also called: Filaminopathy (type); FILAMINOPATHY, AUTOSOMAL DOMINANT. Identifiers: Orphanet 171445, MedGen C1836050, MONDO:0012289, OMIM 609524.
Hypertrophic cardiomyopathy 26. Also called: Cardiomyopathy, familial hypertrophic, 26. Identifiers: Orphanet 75249, MedGen C4310749, MONDO:0014883, OMIM 617047.
Distal myopathy with posterior leg and anterior hand involvement. Also called: WILLIAMS DISTAL MYOPATHY. Identifiers: Orphanet 63273, MedGen C3279722, MONDO:0013550, OMIM 614065.
Cardiovascular phenotype. Identifiers: MedGen CN230736.

Allele frequency attached by ClinVar (database versions not stated): ExAC 0.00026; 1000 Genomes Project 30x 0.00031; gnomAD 0.00031 and 0.00032; 1000 Genomes Project 0.00040; TOPMed 0.00040; ESP Exome Variant Server 0.00070; gnomAD exomes 0.00012 and 0.00024.
gnomAD v4.1: 239 of 1,614,190 alleles (0.015%); highest among the groups gnomAD compares: Middle Eastern, 0.23%; no homozygotes.

Submissions (8):

CeGaT Center for Human Genetics Tuebingen
Classification: Likely benign. Last evaluated: 2026-08-01. Review status: criteria provided, single submitter. Criteria: CeGaT Center For Human Genetics Tuebingen Variant Classification Criteria Version 2. Collection method: clinical testing. Allele origin: germline. Affected: yes. Observed: 10 variant alleles.
Comment: FLNC: BP4, BP7

Labcorp Genetics (formerly Invitae), Labcorp
Classification: Benign for Distal myopathy with posterior leg and anterior hand involvement; Myofibrillar myopathy 5; Hypertrophic cardiomyopathy 26. Last evaluated: 2026-01-21. Review status: criteria provided, single submitter. Criteria: Invitae Variant Classification Sherloc (09022015). Collection method: clinical testing. Allele origin: germline.

Molecular Diagnostic Laboratory for Inherited Cardiovascular Disease, Montreal Heart Institute
Classification: Likely benign. Last evaluated: 2025-04-09. Review status: criteria provided, single submitter. Criteria: ACMG Guidelines, 2015. Collection method: clinical testing. Allele origin: germline. Affected: no.

Blueprint Genetics
Classification: Likely benign. Last evaluated: 2024-09-20. Review status: criteria provided, single submitter. Criteria: ACMG Guidelines, 2015. Collection method: clinical testing. Allele origin: germline.

Women's Health and Genetics/Laboratory Corporation of America, LabCorp
Classification: Benign. Last evaluated: 2024-05-26. Review status: criteria provided, single submitter. Criteria: LabCorp Variant Classification Summary - May 2015. Collection method: clinical testing. Allele origin: germline.

Fulgent Genetics
Classification: Likely benign for Myofibrillar myopathy 5; Distal myopathy with posterior leg and anterior hand involvement; Hypertrophic cardiomyopathy 26. Last evaluated: 2021-08-18. Review status: criteria provided, single submitter. Criteria: ACMG Guidelines, 2015. Collection method: clinical testing. Allele origin: unknown.

GeneDx
Classification: Likely benign. Last evaluated: 2021-08-05. Review status: criteria provided, single submitter. Criteria: GeneDx Variant Classification Process June 2021. Collection method: clinical testing. Allele origin: germline. Affected: yes.

Ambry Genetics
Classification: Likely benign for Cardiovascular phenotype. Last evaluated: 2019-01-14. Review status: criteria provided, single submitter. Criteria: Ambry Variant Classification Scheme 2023. Collection method: clinical testing. Allele origin: germline.

NM_001458.5(FLNC):c.5070C>T (p.Leu1690=)

Gene: FLNC (filamin C; plus strand). Cytogenetic location: 7q32.1.
Variant type: single nucleotide variant.
Coding change: c.5070C>T on transcript NM_001458.5 (MANE Select); coding-DNA position 5070, C replaced by T.
Protein change: p.Leu1690=; no amino-acid change (leucine 1690 retained).
Molecular consequence: synonymous variant.
Genome position (GRCh38, 1-based): chr7:128,849,449, C>T. VCF-style: chr7-128849449-C-T. GRCh37 (hg19) VCF-style: chr7-128489503-C-T.
Other names: c.5070C>T, p.Leu1690= (NM_001127487.2).
Identifiers: ClinVar variation 387408 (VCV000387408.86), dbSNP rs202027738, ClinGen allele CA4475553.